The following is an entry in ClinVar:

NM_005901.6(SMAD2):c.1186C>T (p.Gln396Ter)

Gene: SMAD2 (SMAD family member 2; minus strand). Cytogenetic location: 18q21.1.
Variant type: single nucleotide variant.
Coding change: c.1186C>T on transcript NM_005901.6 (MANE Select); coding-DNA position 1186, C replaced by T.
Protein change: p.Gln396Ter; replaces glutamine 396 with a stop codon.
Molecular consequence: nonsense.
Genome position (GRCh38, 1-based): chr18:47,845,434, G>A on the plus strand (C>T on the coding strand, the complement: SMAD2 is on the minus strand). VCF-style: chr18-47845434-G-A. GRCh37 (hg19) VCF-style: chr18-45371805-G-A.
Other names: c.1186C>T, p.Gln396Ter (NM_001003652.4); c.1096C>T, p.Gln366Ter (NM_001135937.3); short protein forms Q366*, Q396*.
Identifiers: ClinVar variation 3725012 (VCV003725012.2).

ClinVar aggregate classification (germline): Pathogenic (1 of 4 stars; one submission).

Submission:

Labcorp Genetics (formerly Invitae), Labcorp
Classification: Pathogenic. Last evaluated: 2025-10-13. Review status: criteria provided, single submitter. Criteria: Invitae Variant Classification Sherloc (09022015). Collection method: clinical testing. Allele origin: germline.
Comment: This sequence change creates a premature translational stop signal (p.Gln396*) in the SMAD2 gene. It is expected to result in an absent or disrupted protein product. Loss-of-function variants in SMAD2 are known to be pathogenic (PMID: 30157302, 40028843). This variant is not present in population databases (gnomAD no frequency). This variant has not been reported in the literature in individuals affected with SMAD2-related conditions. ClinVar contains an entry for this variant (Variation ID: 3725012). Algorithms developed to predict the effect of sequence changes on RNA splicing suggest that this variant may disrupt the consensus splice site. For these reasons, this variant has been classified as Pathogenic.

Literature cited by the submitters: PubMed 30157302; PubMed 40028843.